The following is an entry in ClinVar:

ClinVar aggregate classification (germline): Likely pathogenic (1 of 4 stars; one submission).

Conditions:
Methylmalonic aciduria, cblA type (MACA). Also called: Methylmalonic aciduria, vitamin b12-responsive, due to defect in synthesis of adenosylcobalamin, cbla complementation type; MMA cbl A type; Methylmalonic acidemia cblA type; Vitamin B12-responsive methylmalonic acidemia type cblA; Methylmalonic aciduria, vitamin B12-responsive. Identifiers: Orphanet 28, Orphanet 79310, MedGen C1855109, MONDO:0009613, OMIM 251100.

Submission:

Natera, Inc.
Classification: Likely pathogenic for Methylmalonic aciduria cblA type. Last evaluated: 2025-09-01. Review status: criteria provided, single submitter. Criteria: Natera Variant Classification Schema (03/2026). Collection method: clinical testing. Allele origin: germline.
Comment: The c.594_595del variant in MMAA is a frameshift variant predicted to shift the reading frame beginning at codon 199 and leads to a stop codon 15 codons downstream. This variant is expected to result in nonsense mediated decay, truncation, or a dysfunctional protein product. This variant is rare in the general population with a frequency below the threshold expected for the associated phenotype(s). Given the available evidence, this variant is classified as Likely Pathogenic.

NM_172250.3(MMAA):c.594_595del (p.Glu199fs)

Gene: MMAA (metabolism of cobalamin associated A; plus strand). Cytogenetic location: 4q31.21.
Variant type: Deletion.
Coding change: c.594_595del on transcript NM_172250.3 (MANE Select); coding-DNA positions 594 to 595, 2 bases deleted (TG; older notation c.594_595delTG).
Protein change: p.Glu199fs; shifts the reading frame from glutamic acid 199.
Molecular consequence: frameshift variant.
Genome position (GRCh38, 1-based): chr4:145,646,017-145,646,018, TG deleted. VCF-style (leftmost placement, unchanged base first): chr4-145646016-CTG-C. GRCh37 (hg19) VCF-style: chr4-146567168-CTG-C.
Other names: c.594_595del, p.Glu199fs (NM_001375644.1); short protein forms E199fs.
Identifiers: ClinVar variation 4816957 (VCV004816957.1).